The following is an entry in ClinVar:

ClinVar aggregate classification (germline): Uncertain significance (1 of 4 stars; one submission).

gnomAD v4.1: 1 of 1,613,990 alleles (0.000062%); highest among the groups gnomAD compares: Non-Finnish European, 0.000085%; no homozygotes.

Submission:

GeneDx
Classification: Uncertain significance. Last evaluated: 2025-03-20. Review status: criteria provided, single submitter. Criteria: GeneDx Variant Classification Process June 2021. Collection method: clinical testing. Allele origin: germline. Affected: yes.
Comment: Not observed at significant frequency in large population cohorts (gnomAD); In silico analysis supports that this missense variant has a deleterious effect on protein structure/function; Has not been previously published as pathogenic or benign to our knowledge

NM_001378414.1(HDAC4):c.1082C>T (p.Thr361Ile)

Gene: HDAC4 (histone deacetylase 4; minus strand). Cytogenetic location: 2q37.3.
Variant type: single nucleotide variant.
Coding change: c.1082C>T on transcript NM_001378414.1 (MANE Select); coding-DNA position 1082, C replaced by T.
Protein change: p.Thr361Ile; replaces threonine 361 with isoleucine.
Molecular consequence: missense variant.
Genome position (GRCh38, 1-based): chr2:239,134,540, G>A on the plus strand (C>T on the coding strand, the complement: HDAC4 is on the minus strand). VCF-style: chr2-239134540-G-A. GRCh37 (hg19) VCF-style: chr2-240056236-G-A.
Other names: c.1082C>T, p.Thr361Ile (NM_001378415.1, NM_001378416.1, NM_001378417.1 and 1 more transcripts); c.1001C>T, p.Thr334Ile (NM_001435991.1, NM_001435992.1, NM_001435994.1 and 1 more transcripts); c.938C>T, p.Thr313Ile (NM_001435993.1); c.1067C>T, p.Thr356Ile (NM_001435996.1); short protein forms T313I, T334I, T356I, T361I.
Identifiers: ClinVar variation 4086367 (VCV004086367.1).